The following is an entry in ClinVar:

ClinVar aggregate classification (germline): Pathogenic (1 of 4 stars; one submission).

Conditions:
Familial hypocalciuric hypercalcemia (FHH). Also called: Familial benign hypercalcemia. Identifiers: Orphanet 405, MedGen C1809471, MONDO:0018458.
Autosomal dominant hypocalcemia 1 (HYPOC1). Also called: HYPOCALCEMIA, FAMILIAL. Identifiers: MedGen C3715128, MONDO:0011013, OMIM 601198.

Submission:

Labcorp Genetics (formerly Invitae), Labcorp
Classification: Pathogenic for Familial hypocalciuric hypercalcemia; Autosomal dominant hypocalcemia 1. Last evaluated: 2024-07-15. Review status: criteria provided, single submitter. Criteria: Invitae Variant Classification Sherloc (09022015). Collection method: clinical testing. Allele origin: germline.
Comment: This sequence change creates a premature translational stop signal (p.Ile614Hisfs*12) in the CASR gene. While this is not anticipated to result in nonsense mediated decay, it is expected to disrupt the last 465 amino acid(s) of the CASR protein. This variant is not present in population databases (gnomAD no frequency). This variant has not been reported in the literature in individuals affected with CASR-related conditions. This variant disrupts a region of the CASR protein in which other variant(s) (p.Arg886Pro) have been determined to be pathogenic (PMID: 11807402). This suggests that this is a clinically significant region of the protein, and that variants that disrupt it are likely to be disease-causing. For these reasons, this variant has been classified as Pathogenic.

Literature cited by the submitters: PubMed 11807402.

NM_000388.4(CASR):c.1840_1843del (p.Ile614fs)

Gene: CASR (calcium sensing receptor; plus strand). Cytogenetic location: 3q21.1.
Variant type: Deletion.
Coding change: c.1840_1843del on transcript NM_000388.4 (MANE Select); coding-DNA positions 1840 to 1843, 4 bases deleted (ATCG; older notation c.1840_1843delATCG).
Protein change: p.Ile614fs; shifts the reading frame from isoleucine 614.
Molecular consequence: frameshift variant.
Genome position (GRCh38, 1-based): chr3:122,283,794-122,283,797, ATCG deleted; deleting any 4 consecutive bases within chr3:122,283,793-122,283,797 gives the same sequence; the c. name uses the placement nearest the transcript's 3' end. VCF-style (leftmost placement, unchanged base first): chr3-122283792-GGATC-G. GRCh37 (hg19) VCF-style: chr3-122002639-GGATC-G.
Other names: c.1870_1873del, p.Ile624fs (NM_001178065.2); short protein forms I614fs, I624fs.
Identifiers: ClinVar variation 3757241 (VCV003757241.2).